The following is an entry in ClinVar:

NM_000238.4(KCNH2):c.307+6A>G

Gene: KCNH2 (potassium voltage-gated channel subfamily H member 2; minus strand). Cytogenetic location: 7q36.1.
Variant type: single nucleotide variant.
Coding change: c.307+6A>G on transcript NM_000238.4 (MANE Select); 6 bases into the intron after coding-DNA position 307, A replaced by G.
Molecular consequence: intron variant.
Genome position (GRCh38, 1-based): chr7:150,974,705, T>C on the plus strand (A>G on the coding strand, the complement: KCNH2 is on the minus strand). VCF-style: chr7-150974705-T-C. GRCh37 (hg19) VCF-style: chr7-150671793-T-C.
Other names: c.307+6A>G (NM_172056.3); c.130+6A>G (NM_001406755.1).
Identifiers: ClinVar variation 923522 (VCV000923522.11), dbSNP rs201872229, ClinGen allele CA169090224.

ClinVar aggregate classification (germline): Uncertain significance. Review status: criteria provided, multiple submitters, no conflicts (2 of 4 stars). 2 submissions from 2 submitters: Uncertain significance (2). Last evaluated 2025-10-15.

Conditions:
Cardiac arrhythmia. Also called: Cardiac rhythm disease; Arrhythmia. Identifiers: MedGen C0003811, MONDO:0007263, HP:0011675.
Long QT syndrome (LQTS). Identifiers: MedGen C0023976, MeSH D008133, MONDO:0002442. Disease mechanism: loss of function. Inheritance: Various modes of inheritance.

Allele frequency attached by ClinVar (database versions not stated): gnomAD 0.00001; gnomAD exomes 0.00001; 1000 Genomes Project 30x 0.00016; 1000 Genomes Project 0.00020.

Submissions (2):

Labcorp Genetics (formerly Invitae), Labcorp
Classification: Uncertain significance for Long QT syndrome. Last evaluated: 2025-10-15. Review status: criteria provided, single submitter. Criteria: Invitae Variant Classification Sherloc (09022015). Collection method: clinical testing. Allele origin: germline.
Comment: This sequence change falls in intron 2 of the KCNH2 gene. It does not directly change the encoded amino acid sequence of the KCNH2 protein. It affects a nucleotide within the consensus splice site. This variant is present in population databases (rs201872229, gnomAD 0.006%). This variant has not been reported in the literature in individuals affected with KCNH2-related conditions. ClinVar contains an entry for this variant (Variation ID: 923522). Variants that disrupt the consensus splice site are a relatively common cause of aberrant splicing (PMID: 17576681, 9536098). Algorithms developed to predict the effect of sequence changes on RNA splicing suggest that this variant is not likely to affect RNA splicing. In summary, the available evidence is currently insufficient to determine the role of this variant in disease. Therefore, it has been classified as a Variant of Uncertain Significance.

Color Diagnostics, LLC DBA Color Health
Classification: Uncertain significance for Cardiac arrhythmia. Last evaluated: 2019-11-05. Review status: criteria provided, single submitter. Criteria: ACMG Guidelines, 2015. Collection method: clinical testing. Allele origin: germline.
Comment: This variant causes an A>G nucleotide substitution at the +6 position of intron 2 of the KCNH2 gene. Splice site prediction tools and conservation analysis are inconclusive regarding the impact of this variant on RNA splicing. To our knowledge, functional studies have not been performed for this variant. This variant has not been reported in individuals affected with cardiovascular disorders in the literature. This variant has not been identified in the general population by the Genome Aggregation Database (gnomAD). The available evidence is insufficient to determine the role of this variant in disease conclusively. Therefore, this variant is classified as a Variant of Uncertain Significance.

Literature cited by the submitters: PubMed 17576681 (cited by Labcorp Genetics (formerly Invitae), Labcorp); PubMed 9536098 (cited by Labcorp Genetics (formerly Invitae), Labcorp).